The following is an entry in ClinVar:

NM_000219.6(KCNE1):c.-51+1G>A

Gene: KCNE1 (potassium voltage-gated channel subfamily E regulatory subunit 1; minus strand). Cytogenetic location: 21q22.12.
Variant type: single nucleotide variant.
Coding change: c.-51+1G>A on transcript NM_000219.6 (MANE Select); the canonical splice donor site of the intron after 51 bases upstream of the start codon, G replaced by A.
Molecular consequence: splice donor variant. On other transcripts: intron variant (1).
Genome position (GRCh38, 1-based): chr21:34,458,653, C>T on the plus strand (G>A on the coding strand, the complement: KCNE1 is on the minus strand). VCF-style: chr21-34458653-C-T. GRCh37 (hg19) VCF-style: chr21-35830951-C-T.
Other names: c.-51+1G>A (NM_001270403.2, NM_001270402.3, NM_001270405.3 and 2 more transcripts); c.-50-8969G>A (NM_001270404.3).
Identifiers: ClinVar variation 452582 (VCV000452582.2), dbSNP rs1202906696, ClinGen allele CA658658887.

ClinVar aggregate classification (germline): Uncertain significance (1 of 4 stars; one submission).

Submission:

GeneDx
Classification: Uncertain significance. Last evaluated: 2017-10-04. Review status: criteria provided, single submitter. Criteria: GeneDx Variant Classification (06012015). Collection method: clinical testing. Allele origin: germline. Affected: yes.
Comment: The c.-51+1G>A variant in the KCNE1 gene has not been reported previously as a pathogenic variant nor as a benign variant, to our knowledge. This splice site variant destroys the canonical splice donor site, and the adjacent exon 2 is 5' UTR (non-coding) and is in-frame with the first coding exon 3. It is predicted to cause abnormal gene splicing, either leading to an abnormal message that is subject to nonsense-mediated mRNA decay, or to an abnormal protein product if the message is used for protein translation. The c.-51+1G>A variant is not observed in large population cohorts (Lek et al., 2016). We interpret c.-51+1G>A as a variant of uncertain significance.